The following is an entry in ClinVar:

NM_000540.3(RYR1):c.4406G>A (p.Arg1469Gln)

Gene: RYR1 (ryanodine receptor 1; plus strand). Cytogenetic location: 19q13.2.
Variant type: single nucleotide variant.
Coding change: c.4406G>A on transcript NM_000540.3 (MANE Select); coding-DNA position 4406, G replaced by A.
Protein change: p.Arg1469Gln; replaces arginine 1469 with glutamine.
Molecular consequence: missense variant.
Genome position (GRCh38, 1-based): chr19:38,477,822, G>A. VCF-style: chr19-38477822-G-A. GRCh37 (hg19) VCF-style: chr19-38968462-G-A.
Other names: c.4406G>A, p.Arg1469Gln (NM_001042723.2); short protein forms R1469Q.
Identifiers: ClinVar variation 1051720 (VCV001051720.11), dbSNP rs1346919204, ClinGen allele CA405646150.

ClinVar aggregate classification (germline): Uncertain significance. Review status: criteria provided, multiple submitters, no conflicts (2 of 4 stars). 4 submissions from 4 submitters: Uncertain significance (4). Last evaluated 2025-06-24.

Conditions:
RYR1-related disorder. Also called: RYR1-related disorders; RYR1-related condition. Identifiers: MedGen CN239331.
Malignant hyperthermia, susceptibility to, 1 (MHS1). Also called: Anesthesia related hyperthermia; Malignant hyperpyrexia; Fulminating hyperpyrexia; Pharmacogenic myopathy; RYR1-Related Malignant Hyperthermia Susceptibility; Malignant hyperthermia suceptibility 1. Identifiers: Orphanet 423, MedGen C2930980, MONDO:0007783, OMIM 145600.

Allele frequency attached by ClinVar (database versions not stated): gnomAD exomes below 0.00001; gnomAD 0.00001; TOPMed 0.00002.
gnomAD v4.1: 9 of 1,613,778 alleles (0.00056%); highest among the groups gnomAD compares: African/African-American, 0.0027%; no homozygotes.

Submissions (4):

Color Diagnostics, LLC DBA Color Health
Classification: Uncertain significance for Malignant hyperthermia, susceptibility to, 1. Last evaluated: 2025-06-24. Review status: criteria provided, single submitter. Criteria: ACMG Guidelines, 2015. Collection method: clinical testing. Allele origin: germline.
Comment: This missense variant replaces arginine with glutamine at codon 1469 of the RYR1 protein. Computational prediction is inconclusive regarding the impact of this variant on protein structure and function. To our knowledge, functional studies have not been reported for this variant. This variant has not been reported in individuals affected with RYR1-related disorders in the literature. This variant has been identified in 1/251128 chromosomes in the general population by the Genome Aggregation Database (gnomAD). The available evidence is insufficient to determine the role of this variant in disease conclusively. Therefore, this variant is classified as a Variant of Uncertain Significance.

All of Us Research Program, National Institutes of Health
Classification: Uncertain significance for Malignant hyperthermia, susceptibility to, 1. Last evaluated: 2023-11-30. Review status: criteria provided, single submitter. Criteria: ACMG Guidelines, 2015. Collection method: clinical testing. Allele origin: germline. Inheritance: Autosomal dominant inheritance. Observed: 5 variant alleles, 5 heterozygotes.
Comment: This missense variant replaces arginine with glutamine at codon 1469 of the RYR1 protein. Computational prediction is inconclusive regarding the impact of this variant on protein structure and function (internally defined REVEL score threshold 0.5 < inconclusive < 0.7, PMID: 27666373). To our knowledge, functional studies have not been reported for this variant. This variant has not been reported in individuals affected with RYR1-related disorders in the literature. This variant has been identified in 1/251128 chromosomes in the general population by the Genome Aggregation Database (gnomAD). The available evidence is insufficient to determine the role of this variant in disease conclusively. Therefore, this variant is classified as a Variant of Uncertain Significance.

This study involves interpretation of variants in research participants for the purpose of population health screening. Participant phenotype was not available at the time of variant classification. Additional details can be found in publication PMID: 35346344, PMCID: PMC8962531

Labcorp Genetics (formerly Invitae), Labcorp
Classification: Uncertain significance for RYR1-related disorder. Last evaluated: 2022-07-19. Review status: criteria provided, single submitter. Criteria: Invitae Variant Classification Sherloc (09022015). Collection method: clinical testing. Allele origin: germline.
Comment: This sequence change replaces arginine, which is basic and polar, with glutamine, which is neutral and polar, at codon 1469 of the RYR1 protein (p.Arg1469Gln). This variant is present in population databases (no rsID available, gnomAD 0.0009%). This variant has not been reported in the literature in individuals affected with RYR1-related conditions. ClinVar contains an entry for this variant (Variation ID: 1051720). Algorithms developed to predict the effect of missense changes on protein structure and function are either unavailable or do not agree on the potential impact of this missense change (SIFT: "Deleterious"; PolyPhen-2: "Probably Damaging"; Align-GVGD: "Class C0"). Algorithms developed to predict the effect of sequence changes on RNA splicing suggest that this variant may disrupt the consensus splice site. This variant disrupts the p.Arg1469 amino acid residue in RYR1. Other variant(s) that disrupt this residue have been determined to be pathogenic (PMID: 20839240, 21911697, 30652412, 31407473; Invitae). This suggests that this residue is clinically significant, and that variants that disrupt this residue are likely to be disease-causing. In summary, the available evidence is currently insufficient to determine the role of this variant in disease. Therefore, it has been classified as a Variant of Uncertain Significance.

GeneDx
Classification: Uncertain significance. Last evaluated: 2020-04-29. Review status: criteria provided, single submitter. Criteria: GeneDx Variant Classification Process June 2021. Collection method: clinical testing. Allele origin: germline. Affected: yes.
Comment: Not observed at a significant frequency in large population cohorts (Lek et al., 2016); In silico analysis supports that this missense variant has a deleterious effect on protein structure/function; Has not been previously published as pathogenic or benign to our knowledge

Literature cited by the submitters: PubMed 20839240 (cited by Labcorp Genetics (formerly Invitae), Labcorp); PubMed 21911697 (cited by Labcorp Genetics (formerly Invitae), Labcorp); PubMed 30652412 (cited by Labcorp Genetics (formerly Invitae), Labcorp); PubMed 31407473 (cited by Labcorp Genetics (formerly Invitae), Labcorp).